The following is an entry in ClinVar:

ClinVar aggregate classification (germline): Conflicting classifications of pathogenicity. Review status: criteria provided, conflicting classifications (1 of 4 stars). 3 submissions from 3 submitters: Uncertain significance (1); Likely benign (2). Last evaluated 2024-05-23.

Allele frequency attached by ClinVar (database versions not stated): gnomAD 0.00001; TOPMed below 0.00001.
gnomAD v4.1: 15 of 1,596,674 alleles (0.00094%); highest among the groups gnomAD compares: Non-Finnish European, 0.0013%; no homozygotes.

Submissions (3):

Labcorp Genetics (formerly Invitae), Labcorp
Classification: Likely benign. Last evaluated: 2024-05-23. Review status: criteria provided, single submitter. Criteria: Invitae Variant Classification Sherloc (09022015). Collection method: clinical testing. Allele origin: germline.

Blueprint Genetics
Classification: Likely benign. Last evaluated: 2022-03-23. Review status: criteria provided, single submitter. Criteria: ACMG Guidelines, 2015. Collection method: clinical testing. Allele origin: germline.

Laboratory for Molecular Medicine, Mass General Brigham Personalized Medicine
Classification: Uncertain significance. Last evaluated: 2017-07-13. Review status: criteria provided, single submitter. Criteria: LMM Criteria. Collection method: clinical testing. Allele origin: germline. Observed: 1 variant allele.
Comment: The c.6275-9G>T variant in GPR98 has not been previously reported in individuals with hearing loss or Usher syndrome, but has been reported in 1/14982 European chromosomes by the Genome Aggregation Database (gnomAD). Although this variant has been seen in the general population, its f requency is not high enough to rule out a pathogenic role. This variant is locat ed in the 3' splice region. Computational tools do not suggest an impact to spli cing. However, this information is not predictive enough to rule out pathogenici ty. In summary, the clinical significance of the c.6275-9G>T variant is uncertai n.

NM_032119.4(ADGRV1):c.6275-9G>T

Gene: ADGRV1 (adhesion G protein-coupled receptor V1; plus strand). Cytogenetic location: 5q14.3.
Variant type: single nucleotide variant.
Coding change: c.6275-9G>T on transcript NM_032119.4 (MANE Select); 9 bases into the intron before coding-DNA position 6275, G replaced by T.
Molecular consequence: intron variant.
Genome position (GRCh38, 1-based): chr5:90,685,771, G>T. VCF-style: chr5-90685771-G-T. GRCh37 (hg19) VCF-style: chr5-89981588-G-T.
Identifiers: ClinVar variation 517487 (VCV000517487.12), dbSNP rs1206365367, ClinGen allele CA560896532.